The following is an entry in ClinVar:

ClinVar aggregate classification (germline): Uncertain significance. Review status: criteria provided, multiple submitters, no conflicts (2 of 4 stars). 3 submissions from 3 submitters: Uncertain significance (3). Last evaluated 2026-01-08.

Conditions:
Inborn genetic diseases. Identifiers: MedGen C0950123, MeSH D030342.
SAMD9-related disorder. Also called: SAMD9-related condition.

Allele frequency attached by ClinVar (database versions not stated): ExAC 0.00002; TOPMed 0.00004; gnomAD exomes 0.00009; gnomAD 0.00006.

Submissions (3):

Labcorp Genetics (formerly Invitae), Labcorp
Classification: Uncertain significance. Last evaluated: 2026-01-08. Review status: criteria provided, single submitter. Criteria: Invitae Variant Classification Sherloc (09022015). Collection method: clinical testing. Allele origin: germline.
Comment: This sequence change replaces isoleucine, which is neutral and non-polar, with valine, which is neutral and non-polar, at codon 1553 of the SAMD9 protein (p.Ile1553Val). This variant is present in population databases (rs746687981, gnomAD 0.005%). This variant has not been reported in the literature in individuals affected with SAMD9-related conditions. ClinVar contains an entry for this variant (Variation ID: 2632082). Invitae Evidence Modeling of protein sequence and biophysical properties (such as structural, functional, and spatial information, amino acid conservation, physicochemical variation, residue mobility, and thermodynamic stability) indicates that this missense variant is not expected to disrupt SAMD9 protein function with a negative predictive value of 95%. In summary, the available evidence is currently insufficient to determine the role of this variant in disease. Therefore, it has been classified as a Variant of Uncertain Significance.

Ambry Genetics
Classification: Uncertain significance for Inborn genetic diseases. Last evaluated: 2025-08-13. Review status: criteria provided, single submitter. Criteria: Ambry Variant Classification Scheme 2023. Collection method: clinical testing. Allele origin: germline.

PreventionGenetics, part of Exact Sciences
Classification: Uncertain significance for SAMD9-related condition. Last evaluated: 2023-09-04. Review status: criteria provided, single submitter. Criteria: ACMG Guidelines, 2015. Collection method: clinical testing. Allele origin: germline.
Comment: The SAMD9 c.4657A>G variant is predicted to result in the amino acid substitution p.Ile1553Val. To our knowledge, this variant has not been reported in the literature. This variant is reported in 0.0047% of alleles in individuals of European (Non-Finnish) descent in gnomAD. At this time, the clinical significance of this variant is uncertain due to the absence of conclusive functional and genetic evidence.

NM_017654.4(SAMD9):c.4657A>G (p.Ile1553Val)

Gene: SAMD9 (sterile alpha motif domain containing 9; minus strand). Cytogenetic location: 7q21.2.
Variant type: single nucleotide variant.
Coding change: c.4657A>G on transcript NM_017654.4 (MANE Select); coding-DNA position 4657, A replaced by G.
Protein change: p.Ile1553Val; replaces isoleucine 1553 with valine.
Molecular consequence: missense variant.
Genome position (GRCh38, 1-based): chr7:93,101,441, T>C on the plus strand (A>G on the coding strand, the complement: SAMD9 is on the minus strand). VCF-style: chr7-93101441-T-C. GRCh37 (hg19) VCF-style: chr7-92730754-T-C.
Other names: c.4657A>G, p.Ile1553Val (NM_001193307.2); short protein forms I1553V.
Identifiers: ClinVar variation 2632082 (VCV002632082.5), dbSNP rs746687981, ClinGen allele CA4342516.